The following is an entry in ClinVar:

NM_001191061.2(SLC25A22):c.29C>T (p.Ala10Val)

Gene: SLC25A22 (solute carrier family 25 member 22; minus strand). Cytogenetic location: 11p15.5.
Variant type: single nucleotide variant.
Coding change: c.29C>T on transcript NM_001191061.2 (MANE Select); coding-DNA position 29, C replaced by T.
Protein change: p.Ala10Val; replaces alanine 10 with valine.
Molecular consequence: missense variant.
Genome position (GRCh38, 1-based): chr11:794,893, G>A on the plus strand (C>T on the coding strand, the complement: SLC25A22 is on the minus strand). VCF-style: chr11-794893-G-A. GRCh37 (hg19) VCF-style: chr11-794893-G-A.
Other names: c.29C>T, p.Ala10Val (NM_001191060.2, NM_024698.6); short protein forms A10V.
Identifiers: ClinVar variation 2129400 (VCV002129400.4), dbSNP rs934854439, ClinGen allele CA378922471.

ClinVar aggregate classification (germline): Uncertain significance (1 of 4 stars; one submission).

Conditions:
Early-infantile DEE. Also called: Early infantile epileptic encephalopathy; Ohtahara syndrome; Early infantile epileptic encephalopathy with suppression bursts. Identifiers: Orphanet 1934, MedGen C0393706, MONDO:0800491.

Submission:

Labcorp Genetics (formerly Invitae), Labcorp
Classification: Uncertain significance for Early-infantile DEE. Last evaluated: 2022-04-22. Review status: criteria provided, single submitter. Criteria: Invitae Variant Classification Sherloc (09022015). Collection method: clinical testing. Allele origin: germline.
Comment: In summary, the available evidence is currently insufficient to determine the role of this variant in disease. Therefore, it has been classified as a Variant of Uncertain Significance. Algorithms developed to predict the effect of missense changes on protein structure and function are either unavailable or do not agree on the potential impact of this missense change (SIFT: "Tolerated"; PolyPhen-2: "Probably Damaging"; Align-GVGD: "Class C25"). This variant has not been reported in the literature in individuals affected with SLC25A22-related conditions. This variant is not present in population databases (gnomAD no frequency). This sequence change replaces alanine, which is neutral and non-polar, with valine, which is neutral and non-polar, at codon 10 of the SLC25A22 protein (p.Ala10Val).